The following is an entry in ClinVar:

ClinVar aggregate classification (germline): Uncertain significance. Review status: criteria provided, multiple submitters, no conflicts (2 of 4 stars). 3 submissions from 3 submitters: Uncertain significance (3). Last evaluated 2025-04-09.

Conditions:
MCM3AP-related disorder. Also called: MCM3AP-related condition.
Inborn genetic diseases. Identifiers: MedGen C0950123, MeSH D030342.

Allele frequency attached by ClinVar (database versions not stated): gnomAD 0.00007; TOPMed 0.00008; gnomAD exomes 0.00009 and 0.00012; ExAC 0.00012; ESP Exome Variant Server 0.00015.
gnomAD v4.1: 179 of 1,614,106 alleles (0.011%); highest among the groups gnomAD compares: South Asian, 0.014%; 1 homozygote.

Submissions (3):

Ambry Genetics
Classification: Uncertain significance for Inborn genetic diseases. Last evaluated: 2025-04-09. Review status: criteria provided, single submitter. Criteria: Ambry Variant Classification Scheme 2023. Collection method: clinical testing. Allele origin: germline.

PreventionGenetics, part of Exact Sciences
Classification: Uncertain significance for MCM3AP-related condition. Last evaluated: 2022-10-14. Review status: criteria provided, single submitter. Criteria: ACMG Guidelines, 2015. Collection method: clinical testing. Allele origin: germline.
Comment: The MCM3AP c.4736G>A variant is predicted to result in the amino acid substitution p.Gly1579Glu. To our knowledge, this variant has not been reported in the literature. This variant is reported in 0.014% of alleles in individuals of European (Non-Finnish) descent in gnomAD. At this time, the clinical significance of this variant is uncertain due to the absence of conclusive functional and genetic evidence.

Labcorp Genetics (formerly Invitae), Labcorp
Classification: Uncertain significance. Last evaluated: 2022-08-18. Review status: criteria provided, single submitter. Criteria: Invitae Variant Classification Sherloc (09022015). Collection method: clinical testing. Allele origin: germline.
Comment: This sequence change replaces glycine, which is neutral and non-polar, with glutamic acid, which is acidic and polar, at codon 1579 of the MCM3AP protein (p.Gly1579Glu). This variant is present in population databases (rs141495802, gnomAD 0.01%). This variant has not been reported in the literature in individuals affected with MCM3AP-related conditions. ClinVar contains an entry for this variant (Variation ID: 1507497). Algorithms developed to predict the effect of missense changes on protein structure and function are either unavailable or do not agree on the potential impact of this missense change (SIFT: "Deleterious"; PolyPhen-2: "Probably Damaging"; Align-GVGD: "Class C0"). In summary, the available evidence is currently insufficient to determine the role of this variant in disease. Therefore, it has been classified as a Variant of Uncertain Significance.

NM_003906.5(MCM3AP):c.4736G>A (p.Gly1579Glu)

Genes: MCM3AP (minichromosome maintenance complex component 3 associated protein; minus strand), MCM3AP-AS1 (MCM3AP antisense RNA 1; plus strand). Cytogenetic location: 21q22.3.
Variant type: single nucleotide variant.
Coding change: c.4736G>A on transcript NM_003906.5 (MANE Select); coding-DNA position 4736, G replaced by A.
Protein change: p.Gly1579Glu; replaces glycine 1579 with glutamic acid.
Molecular consequence: missense variant.
Genome position (GRCh38, 1-based): chr21:46,245,109, C>T on the plus strand (G>A on the coding strand, the complement: MCM3AP is on the minus strand). VCF-style: chr21-46245109-C-T. GRCh37 (hg19) VCF-style: chr21-47665023-C-T.
Other names: c.4736G>A (NM_003906.3, NM_003906.4); short protein forms G1579E.
Identifiers: ClinVar variation 1507497 (VCV001507497.5), dbSNP rs141495802, ClinGen allele CA10076025.
Genomic context (GRCh38, chr21:46,245,109, plus strand): 5'-CCGCCCAGACGCCTCTCTCTTCTGTCATGGAAAAAGCGGCCACTAAACTCATGGCCAATC[C>T]CGTCTTCGACGTACTGAATGAGAGTCTGGCAGCAGAGGTCAAGGGAATGGGGGCAGTGGG-3'
Protein context (NP_003897.2, residues 1569-1589): CQTLIQYVED[Gly1579Glu]IGHEFSGRFF